The following is an entry in ClinVar:

NM_148960.3(CLDN19):c.474-1G>A

Gene: CLDN19 (claudin 19; minus strand). Cytogenetic location: 1p34.2.
Variant type: single nucleotide variant.
Coding change: c.474-1G>A on transcript NM_148960.3 (MANE Select); the canonical splice acceptor site of the intron before coding-DNA position 474, G replaced by A.
Molecular consequence: splice acceptor variant.
Genome position (GRCh38, 1-based): chr1:42,736,031, C>T on the plus strand (G>A on the coding strand, the complement: CLDN19 is on the minus strand). VCF-style: chr1-42736031-C-T. GRCh37 (hg19) VCF-style: chr1-43201702-C-T.
Other names: c.389-1G>A (NM_001185117.2); c.474-1G>A (NM_001123395.2).
Identifiers: ClinVar variation 2119983 (VCV002119983.4), dbSNP rs973088841, ClinGen allele CA21236281.

ClinVar aggregate classification (germline): Likely pathogenic (1 of 4 stars; one submission).

Allele frequency attached by ClinVar (database versions not stated): gnomAD 0.00001; TOPMed 0.00003.

Submission:

Labcorp Genetics (formerly Invitae), Labcorp
Classification: Likely pathogenic. Last evaluated: 2022-03-31. Review status: criteria provided, single submitter. Criteria: Invitae Variant Classification Sherloc (09022015). Collection method: clinical testing. Allele origin: germline.
Comment: This sequence change affects an acceptor splice site in intron 3 of the CLDN19 gene. It is expected to disrupt RNA splicing. Variants that disrupt the donor or acceptor splice site typically lead to a loss of protein function (PMID: 16199547), and loss-of-function variants in CLDN19 are known to be pathogenic (PMID: 22422540). In summary, the currently available evidence indicates that the variant is pathogenic, but additional data are needed to prove that conclusively. Therefore, this variant has been classified as Likely Pathogenic. Algorithms developed to predict the effect of sequence changes on RNA splicing suggest that this variant may disrupt the consensus splice site. This variant has not been reported in the literature in individuals affected with CLDN19-related conditions. The frequency data for this variant in the population databases is considered unreliable, as metrics indicate poor data quality at this position in the gnomAD database.

Literature cited by the submitters: PubMed 16199547; PubMed 22422540.